The following is an entry in ClinVar:

ClinVar aggregate classification (germline): Uncertain significance (1 of 4 stars; one submission).

Submission:

Labcorp Genetics (formerly Invitae), Labcorp
Classification: Uncertain significance. Last evaluated: 2023-04-20. Review status: criteria provided, single submitter. Criteria: Invitae Variant Classification Sherloc (09022015). Collection method: clinical testing. Allele origin: germline.
Comment: Experimental studies and prediction algorithms are not available or were not evaluated, and the functional significance of this variant is currently unknown. This variant has not been reported in the literature in individuals affected with HYOU1-related conditions. This variant is not present in population databases (gnomAD no frequency). This sequence change creates a premature translational stop signal (p.Gln664*) in the HYOU1 gene. It is expected to result in an absent or disrupted protein product. However, the current clinical and genetic evidence is not sufficient to establish whether loss-of-function variants in HYOU1 cause disease. In summary, the available evidence is currently insufficient to determine the role of this variant in disease. Therefore, it has been classified as a Variant of Uncertain Significance.

NM_006389.5(HYOU1):c.1990C>T (p.Gln664Ter)

Gene: HYOU1 (hypoxia up-regulated 1; minus strand). Cytogenetic location: 11q23.3.
Variant type: single nucleotide variant.
Coding change: c.1990C>T on transcript NM_006389.5 (MANE Select); coding-DNA position 1990, C replaced by T.
Protein change: p.Gln664Ter; replaces glutamine 664 with a stop codon.
Molecular consequence: nonsense.
Genome position (GRCh38, 1-based): chr11:119,049,020, G>A on the plus strand (C>T on the coding strand, the complement: HYOU1 is on the minus strand). VCF-style: chr11-119049020-G-A. GRCh37 (hg19) VCF-style: chr11-118919732-G-A.
Other names: c.1990C>T, p.Gln664Ter (NM_001130991.3, NM_001411041.1); short protein forms Q664*.
Identifiers: ClinVar variation 2787095 (VCV002787095.3), dbSNP rs2497127905, ClinGen allele CA382930006.